The following is an entry in ClinVar:

NM_000545.8(HNF1A):c.1531C>G (p.Gln511Glu)

Gene: HNF1A (HNF1 homeobox A; plus strand). Cytogenetic location: 12q24.31.
Variant type: single nucleotide variant.
Coding change: c.1531C>G on transcript NM_000545.8 (MANE Select); coding-DNA position 1531, C replaced by G.
Protein change: p.Gln511Glu; replaces glutamine 511 with glutamic acid.
Molecular consequence: missense variant.
Genome position (GRCh38, 1-based): chr12:120,999,297, C>G. VCF-style: chr12-120999297-C-G. GRCh37 (hg19) VCF-style: chr12-121437100-C-G.
Other names: c.1531C>G, p.Gln511Glu (NM_001306179.2); c.1339C>G, p.Gln447Glu (NM_001406915.1); short protein forms Q447E, Q511E.
Identifiers: ClinVar variation 1727242 (VCV001727242.4), dbSNP rs551484245, ClinGen allele CA6832098.

ClinVar aggregate classification (germline): Conflicting classifications of pathogenicity. Review status: criteria provided, conflicting classifications (1 of 4 stars). 2 submissions from 2 submitters: Pathogenic (1); Uncertain significance (1). Last evaluated 2023-07-26.

Conditions:
Maturity-onset diabetes of the young (MODY). Also called: Maturity onset diabetes mellitus in young. Identifiers: Orphanet 552, MedGen C0342276, MONDO:0018911, HP:0004904.

Allele frequency attached by ClinVar (database versions not stated): ExAC 0.00002.

Submissions (2):

Labcorp Genetics (formerly Invitae), Labcorp
Classification: Uncertain significance. Last evaluated: 2023-07-26. Review status: criteria provided, single submitter. Criteria: Invitae Variant Classification Sherloc (09022015). Collection method: clinical testing. Allele origin: germline.
Comment: In summary, the available evidence is currently insufficient to determine the role of this variant in disease. Therefore, it has been classified as a Variant of Uncertain Significance. Advanced modeling of protein sequence and biophysical properties (such as structural, functional, and spatial information, amino acid conservation, physicochemical variation, residue mobility, and thermodynamic stability) performed at Invitae indicates that this missense variant is not expected to disrupt HNF1A protein function. ClinVar contains an entry for this variant (Variation ID: 1727242). This sequence change replaces glutamine, which is neutral and polar, with glutamic acid, which is acidic and polar, at codon 511 of the HNF1A protein (p.Gln511Glu). This variant is present in population databases (rs551484245, gnomAD 0.02%). This variant has not been reported in the literature in individuals affected with HNF1A-related conditions.

Clinical Genomics, Uppaluri K&H Personalized Medicine Clinic
Classification: Pathogenic for Maturity-onset diabetes of the young. Review status: criteria provided, single submitter. Criteria: K & H Uppaluri Personalized Medicine Clinic Variant Classification & Assertion Criteria_Updated V.1. Collection method: research. Allele origin: unknown. Inheritance: Autosomal dominant inheritance.
Comment: Mutations in HNF1A gene can predispose to MODY3. It is associated with both micro and macrovascular complications of diabetes, especially cardiovascular complications. Associated with glucosuria. May respond well to sulfonylureas. However, more evidence is required to confer the association of this particular variant rs551484245 with MODY3.

Literature cited by the submitters: PubMed 31517624 (cited by Clinical Genomics, Uppaluri K&H Personalized Medicine Clinic); PubMed 32395877 (cited by Clinical Genomics, Uppaluri K&H Personalized Medicine Clinic); PubMed 35328643 (cited by Clinical Genomics, Uppaluri K&H Personalized Medicine Clinic); PubMed 35673428 (cited by Clinical Genomics, Uppaluri K&H Personalized Medicine Clinic).